The following is an entry in ClinVar:

NM_001162501.2(TNRC6B):c.2275A>C (p.Ser759Arg)

Gene: TNRC6B (trinucleotide repeat containing adaptor 6B; plus strand). Cytogenetic location: 22q13.1.
Variant type: single nucleotide variant.
Coding change: c.2275A>C on transcript NM_001162501.2 (MANE Select); coding-DNA position 2275, A replaced by C.
Protein change: p.Ser759Arg; replaces serine 759 with arginine.
Molecular consequence: missense variant. On other transcripts: intron variant (1).
Genome position (GRCh38, 1-based): chr22:40,266,505, A>C. VCF-style: chr22-40266505-A-C. GRCh37 (hg19) VCF-style: chr22-40662509-A-C.
Other names: c.2275A>C, p.Ser759Arg (NM_015088.3); c.566-3617A>C (NM_001024843.2); short protein forms S759R.
Identifiers: ClinVar variation 3373135 (VCV003373135.1).

ClinVar aggregate classification (germline): Uncertain significance (1 of 4 stars; one submission).

Submission:

GeneDx
Classification: Uncertain significance. Last evaluated: 2024-04-24. Review status: criteria provided, single submitter. Criteria: GeneDx Variant Classification Process June 2021. Collection method: clinical testing. Allele origin: germline. Affected: yes.
Comment: Not observed at significant frequency in large population cohorts (gnomAD); In silico analysis supports that this missense variant has a deleterious effect on protein structure/function; Has not been previously published as pathogenic or benign to our knowledge